The following is an entry in ClinVar:

ClinVar aggregate classification (germline): Likely benign. Review status: criteria provided, multiple submitters, no conflicts (2 of 4 stars). 3 submissions from 3 submitters: Likely benign (2). 1 of the submissions does not count toward it. Last evaluated 2025-10-22.

Conditions:
DNMT3A-related disorder. Also called: DNMT3A-related disorders; DNMT3A-related condition.
Inborn genetic diseases. Identifiers: MedGen C0950123, MeSH D030342.
Tatton-Brown-Rahman overgrowth syndrome. Also called: Tall stature-intellectual disability-facial dysmorphism syndrome; Tatton-Brown-Rahman syndrome. Identifiers: Orphanet 404443, MedGen C4014545, MONDO:0014382, OMIM 615879.

Allele frequency attached by ClinVar (database versions not stated): gnomAD exomes 0.00007 and 0.00021; ExAC 0.00008; gnomAD 0.00008 and 0.00009; TOPMed 0.00008.
gnomAD v4.1: 322 of 1,613,712 alleles (0.02%); highest among the groups gnomAD compares: Non-Finnish European, 0.026%; no homozygotes.

Submissions (3):

Labcorp Genetics (formerly Invitae), Labcorp
Classification: Likely benign for Tatton-Brown-Rahman overgrowth syndrome. Last evaluated: 2025-10-22. Review status: criteria provided, single submitter. Criteria: Invitae Variant Classification Sherloc (09022015). Collection method: clinical testing. Allele origin: germline.

Ambry Genetics
Classification: Likely benign for Inborn genetic diseases. Last evaluated: 2024-11-23. Review status: criteria provided, single submitter. Criteria: Ambry Variant Classification Scheme 2023. Collection method: clinical testing. Allele origin: germline.

PreventionGenetics, part of Exact Sciences
Classification: Likely benign for DNMT3A-related condition. Last evaluated: 2021-07-01. Review status: no assertion criteria provided. Collection method: clinical testing. Allele origin: germline. Not counted in ClinVar's aggregate classification.
Comment: This variant is classified as likely benign based on ACMG/AMP sequence variant interpretation guidelines (Richards et al. 2015 PMID: 25741868, with internal and published modifications).

NM_022552.5(DNMT3A):c.2331T>C (p.Pro777=)

Gene: DNMT3A (DNA methyltransferase 3 alpha; minus strand). Cytogenetic location: 2p23.3.
Variant type: single nucleotide variant.
Coding change: c.2331T>C on transcript NM_022552.5 (MANE Select); coding-DNA position 2331, T replaced by C.
Protein change: p.Pro777=; no amino-acid change (proline 777 retained).
Molecular consequence: synonymous variant. On other transcripts: non-coding transcript variant (1).
Genome position (GRCh38, 1-based): chr2:25,239,207, A>G on the plus strand (T>C on the coding strand, the complement: DNMT3A is on the minus strand). VCF-style: chr2-25239207-A-G. GRCh37 (hg19) VCF-style: chr2-25462076-A-G.
Other names: c.2331T>C, p.Pro777= (NM_175629.2); c.2331T>C (NM_022552.3); c.1875T>C, p.Pro625= (NM_001320893.1); c.1662T>C, p.Pro554= (NM_001375819.1); c.1764T>C, p.Pro588= (NM_153759.3).
Identifiers: ClinVar variation 740062 (VCV000740062.11), dbSNP rs758014471, ClinGen allele CA1555621.